The following is an entry in ClinVar:

NC_000006.11:g.(?_88273838)_(88273960_?)del

Gene: RARS2 (arginyl-tRNA synthetase 2, mitochondrial; minus strand). Cytogenetic location: 6q15.
Variant type: Deletion.
Identifiers: ClinVar variation 1075072 (VCV001075072.5).

ClinVar aggregate classification (germline): Pathogenic (1 of 4 stars; one submission).

Submission:

Labcorp Genetics (formerly Invitae), Labcorp
Classification: Pathogenic. Last evaluated: 2021-08-26. Review status: criteria provided, single submitter. Criteria: Invitae Variant Classification Sherloc (09022015). Collection method: clinical testing. Allele origin: germline.
Comment: For these reasons, this variant has been classified as Pathogenic. This variant has not been reported in the literature in individuals affected with RARS2-related conditions. This variant is a gross deletion of the genomic region encompassing exon(s) 3 of the RARS2 gene. This deletion is out-of-frame, and is expected to create a premature termination codon and result in an absent or disrupted protein product. Loss-of-function variants in RARS2 are known to be pathogenic (PMID: 17847012, 22569581, 26083569).

Literature cited by the submitters: PubMed 17847012; PubMed 22569581; PubMed 26083569.